The following is an entry in ClinVar:

NC_000001.10:g.(155160963_155162030)dupGCCGGCCCCGGGTCC

Variant type: Duplication.
Identifiers: ClinVar variation 1302002 (VCV001302002.2).

ClinVar aggregate classification (germline): not provided (0 of 4 stars; one submission).

Conditions:
Tubulointerstitial kidney disease, autosomal dominant, 2 (ADTKD2). Also called: Medullary cystic kidney disease 1; MEDULLARY CYSTIC KIDNEY DISEASE, AUTOSOMAL DOMINANT; POLYCYSTIC KIDNEYS, MEDULLARY TYPE; Autosomal Dominant Tubulointerstitial Kidney Disease – MUC1. Identifiers: Orphanet 34149, Orphanet 88949, MedGen C1868139, MONDO:0020726, OMIM 174000.

Submission:

GeneReviews
No classification provided. Condition: Tubulointerstitial kidney disease, autosomal dominant, 2. Review status: no classification provided. Collection method: literature only. Allele origin: germline.
Comment: Variant encodes the MUC1fs protein [Zivna et al 2018]. This variant not detected by most available clinically MUC1 genetic testing.

Literature cited by the submitters: PubMed 29967284.